The following is an entry in ClinVar:

ClinVar aggregate classification (germline): Benign. Review status: criteria provided, multiple submitters, no conflicts (2 of 4 stars). 3 submissions from 3 submitters: Benign (2). 1 of the submissions does not count toward it. Last evaluated 2026-01-25.

Conditions:
SH3TC2-related disorder. Also called: SH3TC2-related condition; SH3TC2-related disorders. Identifiers: MedGen CN239303.
Charcot-Marie-Tooth disease type 4. Also called: Charcot-Marie-Tooth, Type 4; Charcot-Marie-Tooth disease, type IV. Identifiers: Orphanet 64749, MedGen C4082197, MONDO:0018995.

Allele frequency attached by ClinVar (database versions not stated): gnomAD exomes 0.00047 and 0.00140; ExAC 0.00165; gnomAD 0.00500 and 0.00534; TOPMed 0.00552; ESP Exome Variant Server 0.00600; 1000 Genomes Project 0.00679; 1000 Genomes Project 30x 0.00734.
gnomAD v4.1: 1,484 of 1,614,200 alleles (0.092%); highest among the groups gnomAD compares: African/African-American, 1.8%; 15 homozygotes.

Submissions (3):

Labcorp Genetics (formerly Invitae), Labcorp
Classification: Benign for Charcot-Marie-Tooth disease type 4. Last evaluated: 2026-01-25. Review status: criteria provided, single submitter. Criteria: Invitae Variant Classification Sherloc (09022015). Collection method: clinical testing. Allele origin: germline.

GeneDx
Classification: Benign. Last evaluated: 2016-09-29. Review status: criteria provided, single submitter. Criteria: GeneDx Variant Classification (06012015). Collection method: clinical testing. Allele origin: germline. Affected: yes.
Comment: This variant is considered likely benign or benign based on one or more of the following criteria: it is a conservative change, it occurs at a poorly conserved position in the protein, it is predicted to be benign by multiple in silico algorithms, and/or has population frequency not consistent with disease.

PreventionGenetics, part of Exact Sciences
Classification: Benign for SH3TC2-related condition. Last evaluated: 2020-01-24. Review status: no assertion criteria provided. Collection method: clinical testing. Allele origin: germline. Not counted in ClinVar's aggregate classification.
Comment: This variant is classified as benign based on ACMG/AMP sequence variant interpretation guidelines (Richards et al. 2015 PMID: 25741868, with internal and published modifications).

NM_024577.4(SH3TC2):c.2868A>G (p.Leu956=)

Gene: SH3TC2 (SH3 domain and tetratricopeptide repeats 2; minus strand). Cytogenetic location: 5q32.
Variant type: single nucleotide variant.
Coding change: c.2868A>G on transcript NM_024577.4 (MANE Select); coding-DNA position 2868, A replaced by G.
Protein change: p.Leu956=; no amino-acid change (leucine 956 retained).
Molecular consequence: synonymous variant.
Genome position (GRCh38, 1-based): chr5:149,026,864, T>C on the plus strand (A>G on the coding strand, the complement: SH3TC2 is on the minus strand). VCF-style: chr5-149026864-T-C. GRCh37 (hg19) VCF-style: chr5-148406427-T-C.
Identifiers: ClinVar variation 378579 (VCV000378579.15), dbSNP rs115507662, ClinGen allele CA3498920.